The following is an entry in ClinVar:

ClinVar aggregate classification (germline): Conflicting classifications of pathogenicity. Review status: criteria provided, conflicting classifications (1 of 4 stars). 4 submissions from 4 submitters: Uncertain significance (3); Likely benign (1). Last evaluated 2024-08-31.

Conditions:
Hereditary cancer-predisposing syndrome. Also called: Tumor predisposition; Hereditary Cancer Syndrome; Hereditary neoplastic syndrome; Neoplastic Syndromes, Hereditary. Identifiers: Orphanet 140162, MedGen C0027672, MeSH D009386, MONDO:0015356.
Hereditary breast ovarian cancer syndrome. Also called: Breast and ovarian cancer; Hereditary breast and ovarian cancer; Hereditary breast and/or ovarian cancer syndrome; BRCA1- and BRCA2-Associated Hereditary Breast and Ovarian Cancer; Hereditary breast and ovarian cancer syndrome (HBOC); Hereditary breast and ovarian cancer syndrome. Identifiers: Orphanet 145, MedGen C0677776, MeSH D061325, MONDO:0003582. Disease mechanism: loss of function.

Submissions (4):

Labcorp Genetics (formerly Invitae), Labcorp
Classification: Uncertain significance for Hereditary breast ovarian cancer syndrome. Last evaluated: 2024-08-31. Review status: criteria provided, single submitter. Criteria: Invitae Variant Classification Sherloc (09022015). Collection method: clinical testing. Allele origin: germline.
Comment: This sequence change replaces valine, which is neutral and non-polar, with alanine, which is neutral and non-polar, at codon 2190 of the BRCA2 protein (p.Val2190Ala). This variant is not present in population databases (gnomAD no frequency). This variant has not been reported in the literature in individuals affected with BRCA2-related conditions. ClinVar contains an entry for this variant (Variation ID: 182228). Invitae Evidence Modeling of protein sequence and biophysical properties (such as structural, functional, and spatial information, amino acid conservation, physicochemical variation, residue mobility, and thermodynamic stability) indicates that this missense variant is not expected to disrupt BRCA2 protein function with a negative predictive value of 95%. In summary, the available evidence is currently insufficient to determine the role of this variant in disease. Therefore, it has been classified as a Variant of Uncertain Significance.

Quest Diagnostics Nichols Institute San Juan Capistrano
Classification: Uncertain significance. Last evaluated: 2023-09-06. Review status: criteria provided, single submitter. Criteria: Quest Diagnostics criteria. Collection method: clinical testing. Allele origin: unknown.
Comment: In the published literature, this variant has been reported in an individual with a family history of pancreatic cancer, breast cancer, and melanoma (PMID: 30883245 (2019)). This variant has not been reported in large, multi-ethnic general populations (Genome Aggregation Database). Analysis of this variant using bioinformatics tools for the prediction of the effect of amino acid changes on protein structure and function yielded predictions that this variant is benign. Based on the available information, we are unable to determine the clinical significance of this variant.

University of Washington Department of Laboratory Medicine, University of Washington
Classification: Likely benign for Hereditary cancer-predisposing syndrome. Last evaluated: 2023-03-23. Review status: criteria provided, single submitter. Criteria: Dines et al. (Genet Med. 2020). Collection method: curation. Allele origin: germline.
Comment: Missense variant in a coldspot region where missense variants are very unlikely to be pathogenic (PMID:31911673).

BRCA2 exon 11 coldspot. Reclassification based on statistical prior probability.

GeneDx
Classification: Uncertain significance. Last evaluated: 2014-09-11. Review status: criteria provided, single submitter. Criteria: GeneDx Variant Classification (06012015). Collection method: clinical testing. Allele origin: germline. Affected: yes.
Comment: This variant is denoted BRCA2 c.6569T>C at the cDNA level, p.Val2190Ala (V2190A) at the protein level, and results in the change of a Valine to an Alanine (GTA>GCA). This variant has not, to our knowledge, been published in the literature as pathogenic or benign. BRCA2 Val2190Ala was not observed in approximately 6,500 individuals of European and African American ancestry in the NHLBI Exome Sequencing Project, indicating it is not a common benign variant in these populations. Since Valine and Alanine share similar properties, this is considered a conservative amino acid substitution. BRCA2 Val2190Ala occurs at a position that is variable across species and is not located in a known functional domain. In silico analyses predict that this variant is unlikely to alter protein structure or function. Based on currently available information, it is unclear whether BRCA2 Val2190Ala is pathogenic or benign. We consider it to be a variant of uncertain significance.

Literature cited by the submitters: PubMed 30883245 (cited by Quest Diagnostics Nichols Institute San Juan Capistrano).

NM_000059.4(BRCA2):c.6569T>C (p.Val2190Ala)

Gene: BRCA2 (BRCA2 DNA repair associated; plus strand). Cytogenetic location: 13q13.1.
Variant type: single nucleotide variant.
Coding change: c.6569T>C on transcript NM_000059.4 (MANE Select); coding-DNA position 6569, T replaced by C.
Protein change: p.Val2190Ala; replaces valine 2190 with alanine.
Molecular consequence: missense variant.
Genome position (GRCh38, 1-based): chr13:32,340,924, T>C. VCF-style: chr13-32340924-T-C. GRCh37 (hg19) VCF-style: chr13-32915061-T-C.
Other names: p.V2190A:GTA>GCA; short protein forms V2190A.
Identifiers: ClinVar variation 182228 (VCV000182228.8), dbSNP rs730881545, ClinGen allele CA024186.